The following is an entry in ClinVar:

ClinVar aggregate classification (germline): Benign. Review status: criteria provided, multiple submitters, no conflicts (2 of 4 stars). 3 submissions from 3 submitters: Benign (3). Last evaluated 2026-02-02.

Conditions:
Hypertrophic cardiomyopathy. Also called: HYPERTROPHIC MYOCARDIOPATHY. Identifiers: Orphanet 217569, MedGen C0007194, MeSH D002312, MONDO:0005045, HP:0001639.

Submissions (4):

Labcorp Genetics (formerly Invitae), Labcorp
Classification: Benign for Hypertrophic cardiomyopathy. Last evaluated: 2026-02-02. Review status: criteria provided, single submitter. Criteria: Invitae Variant Classification Sherloc (09022015). Collection method: clinical testing. Allele origin: germline.

GeneDx
Classification: Benign. Last evaluated: 2021-05-13. Review status: criteria provided, single submitter. Criteria: GeneDx Variant Classification Process June 2021. Collection method: clinical testing. Allele origin: germline. Affected: yes.

Laboratory for Molecular Medicine, Mass General Brigham Personalized Medicine
Classification: Benign. Last evaluated: 2015-03-19. Review status: criteria provided, single submitter. Criteria: LMM Criteria. Collection method: clinical testing. Allele origin: germline. Observed: 2 variant alleles.
Comment: c.2507-16_2507-14delTGT in intron 17 of MYOM1: This variant is not expected to h ave clinical significance because it has been identified in 5.7% (554/9720) of A frican chromosomes by the Exome Aggregation Consortium (ExAC; dbSNP rs147985558).

Dr. Peter K. Rogan Lab, Western University
No classification provided (evidence only). Condition: Gastric cancer. Review status: no classification provided. Collection method: in vitro. Allele origin: not applicable. Functional consequence: retained intron. Not counted in ClinVar's aggregate classification.

NM_003803.4(MYOM1):c.2507-22TGT[2]

Gene: MYOM1 (myomesin 1; minus strand). Cytogenetic location: 18p11.31.
Variant type: Microsatellite.
Coding change: c.2507-22TGT[2] on transcript NM_003803.4 (MANE Select); two copies in a row of the 3-base unit TGT starting at c.2507-22; the reference has three copies in a row; one copy, 3 bases deleted.
Molecular consequence: intron variant.
Genome position (GRCh38, 1-based): chr18:3,129,533-3,129,535, ACA deleted on the plus strand (TGT on the coding strand, the reverse complement: MYOM1 is on the minus strand); deleting any 3 consecutive bases within chr18:3,129,533-3,129,541 gives the same sequence; the position shown is the placement nearest the transcript's 3' end. VCF-style (leftmost placement, unchanged base first): chr18-3129532-GACA-G. GRCh37 (hg19) VCF-style: chr18-3129530-GACA-G.
Other names: NC_000018.9:g.3129537_3129539del; c.2507-22_2507-20del (NM_003803.4); c.2507-16_2507-14delTGT (NM_003803.3); c.2506+1834TGT[2] (NM_019856.2).
Identifiers: ClinVar variation 226813 (VCV000226813.14), dbSNP rs147985558, ClinGen allele CA8874594.
Genomic context (GRCh38, chr18:3,129,532, plus strand): 5'-CAGGCTCATCGCTCAGTGCGGGACACACATCTGGAGACACTCCTCCCCCTACAGTTGCCA[GACA>G]ACAACAGAAACGCATTGAGCCCGGACAGAGTATCAGCTGCTCTTATAGGATAGAACAAAG-3'